The following is an entry in ClinVar:

NM_000540.3(RYR1):c.14173-6G>C

Gene: RYR1 (ryanodine receptor 1; plus strand). Cytogenetic location: 19q13.2.
Variant type: single nucleotide variant.
Coding change: c.14173-6G>C on transcript NM_000540.3 (MANE Select); 6 bases into the intron before coding-DNA position 14173, G replaced by C.
Molecular consequence: intron variant.
Genome position (GRCh38, 1-based): chr19:38,577,912, G>C. VCF-style: chr19-38577912-G-C. GRCh37 (hg19) VCF-style: chr19-39068552-G-C.
Other names: c.14158-6G>C (NM_001042723.2).
Identifiers: ClinVar variation 1094130 (VCV001094130.12), dbSNP rs775047238, ClinGen allele CA308120047.

ClinVar aggregate classification (germline): Likely benign. Review status: criteria provided, multiple submitters, no conflicts (2 of 4 stars). 3 submissions from 3 submitters: Likely benign (3). Last evaluated 2025-07-03.

Conditions:
RYR1-related disorder. Also called: RYR1-related disorders; RYR1-related condition. Identifiers: MedGen CN239331.
Malignant hyperthermia, susceptibility to, 1 (MHS1). Also called: Anesthesia related hyperthermia; Malignant hyperpyrexia; Fulminating hyperpyrexia; Pharmacogenic myopathy; RYR1-Related Malignant Hyperthermia Susceptibility; Malignant hyperthermia suceptibility 1. Identifiers: Orphanet 423, MedGen C2930980, MONDO:0007783, OMIM 145600.

gnomAD v4.1: 11 of 1,613,964 alleles (0.00068%); highest among the groups gnomAD compares: Non-Finnish European, 0.00093%; no homozygotes.

Submissions (3):

Labcorp Genetics (formerly Invitae), Labcorp
Classification: Likely benign for RYR1-related disorder. Last evaluated: 2025-07-03. Review status: criteria provided, single submitter. Criteria: Invitae Variant Classification Sherloc (09022015). Collection method: clinical testing. Allele origin: germline.

All of Us Research Program, National Institutes of Health
Classification: Likely benign for Malignant hyperthermia, susceptibility to, 1. Last evaluated: 2023-12-01. Review status: criteria provided, single submitter. Criteria: ACMG Guidelines, 2015. Collection method: clinical testing. Allele origin: germline. Inheritance: Autosomal dominant inheritance. Observed: 5 variant alleles, 5 heterozygotes.
Comment: This study involves interpretation of variants in research participants for the purpose of population health screening. Participant phenotype was not available at the time of variant classification. Additional details can be found in publication PMID: 35346344, PMCID: PMC8962531

Color Diagnostics, LLC DBA Color Health
Classification: Likely benign for Malignant hyperthermia, susceptibility to, 1. Last evaluated: 2023-01-06. Review status: criteria provided, single submitter. Criteria: ACMG Guidelines, 2015. Collection method: clinical testing. Allele origin: germline.